The following is an entry in ClinVar:

NM_015072.5(TTLL5):c.60G>T (p.Glu20Asp)

Gene: TTLL5 (tubulin tyrosine ligase like 5; plus strand). Cytogenetic location: 14q24.3.
Variant type: single nucleotide variant.
Coding change: c.60G>T on transcript NM_015072.5 (MANE Select); coding-DNA position 60, G replaced by T.
Protein change: p.Glu20Asp; replaces glutamic acid 20 with aspartic acid.
Molecular consequence: missense variant.
Genome position (GRCh38, 1-based): chr14:75,663,209, G>T. VCF-style: chr14-75663209-G-T. GRCh37 (hg19) VCF-style: chr14-76129552-G-T.
Other names: short protein forms E20D.
Identifiers: ClinVar variation 1062220 (VCV001062220.9), dbSNP rs2140074461, ClinGen allele CA390465178.

ClinVar aggregate classification (germline): Uncertain significance (1 of 4 stars; one submission).

Submission:

Labcorp Genetics (formerly Invitae), Labcorp
Classification: Uncertain significance. Last evaluated: 2022-07-19. Review status: criteria provided, single submitter. Criteria: Invitae Variant Classification Sherloc (09022015). Collection method: clinical testing. Allele origin: germline.
Comment: ClinVar contains an entry for this variant (Variation ID: 1062220). Algorithms developed to predict the effect of missense changes on protein structure and function output the following: SIFT: "Tolerated"; PolyPhen-2: "Benign"; Align-GVGD: "Class C0". The aspartic acid amino acid residue is found in multiple mammalian species, which suggests that this missense change does not adversely affect protein function. In summary, the available evidence is currently insufficient to determine the role of this variant in disease. Therefore, it has been classified as a Variant of Uncertain Significance. This variant has not been reported in the literature in individuals affected with TTLL5-related conditions. This variant is not present in population databases (gnomAD no frequency). This sequence change replaces glutamic acid, which is acidic and polar, with aspartic acid, which is acidic and polar, at codon 20 of the TTLL5 protein (p.Glu20Asp).